The following is an entry in ClinVar:

ClinVar aggregate classification (germline): Uncertain significance (1 of 4 stars; one submission).

Submission:

Labcorp Genetics (formerly Invitae), Labcorp
Classification: Uncertain significance. Last evaluated: 2025-08-19. Review status: criteria provided, single submitter. Criteria: Invitae Variant Classification Sherloc (09022015). Collection method: clinical testing. Allele origin: germline.
Comment: This sequence change creates a premature translational stop signal (p.Arg150*) in the SUCLG2 gene. It is expected to result in an absent or disrupted protein product. However, the current clinical and genetic evidence is not sufficient to establish whether loss-of-function variants in SUCLG2 cause disease. This variant is present in population databases (no rsID available, gnomAD 0.003%). This variant has not been reported in the literature in individuals affected with SUCLG2-related conditions. In summary, the available evidence is currently insufficient to determine the role of this variant in disease. Therefore, it has been classified as a Variant of Uncertain Significance.

NM_003848.4(SUCLG2):c.448A>T (p.Arg150Ter)

Gene: SUCLG2 (succinate-CoA ligase GDP-forming subunit beta; minus strand). Cytogenetic location: 3p14.1.
Variant type: single nucleotide variant.
Coding change: c.448A>T on transcript NM_003848.4 (MANE Select); coding-DNA position 448, A replaced by T.
Protein change: p.Arg150Ter; replaces arginine 150 with a stop codon.
Molecular consequence: nonsense.
Genome position (GRCh38, 1-based): chr3:67,520,604, T>A on the plus strand (A>T on the coding strand, the complement: SUCLG2 is on the minus strand). VCF-style: chr3-67520604-T-A. GRCh37 (hg19) VCF-style: chr3-67571028-T-A.
Other names: c.448A>T, p.Arg150Ter (NM_001177599.2); short protein forms R150*.
Identifiers: ClinVar variation 4744432 (VCV004744432.1).